The following is an entry in ClinVar:

NM_198578.4(LRRK2):c.3292G>T (p.Val1098Leu)

Gene: LRRK2 (leucine rich repeat kinase 2; plus strand). Cytogenetic location: 12q12.
Variant type: single nucleotide variant.
Coding change: c.3292G>T on transcript NM_198578.4 (MANE Select); coding-DNA position 3292, G replaced by T.
Protein change: p.Val1098Leu; replaces valine 1098 with leucine.
Molecular consequence: missense variant.
Genome position (GRCh38, 1-based): chr12:40,298,438, G>T. VCF-style: chr12-40298438-G-T. GRCh37 (hg19) VCF-style: chr12-40692240-G-T.
Other names: short protein forms V1098L.
Identifiers: ClinVar variation 1729861 (VCV001729861.2), dbSNP rs563422939, ClinGen allele CA6513864.

ClinVar aggregate classification (germline): Uncertain significance (1 of 4 stars; one submission).

Conditions:
Inborn genetic diseases. Identifiers: MedGen C0950123, MeSH D030342.

Allele frequency attached by ClinVar (database versions not stated): ExAC 0.00001; 1000 Genomes Project 0.00020.
gnomAD v4.1: 2 of 1,613,864 alleles (0.00012%); highest among the groups gnomAD compares: African/African-American, 0.0027%; no homozygotes.

Submission:

Ambry Genetics
Classification: Uncertain significance for Inborn genetic diseases. Last evaluated: 2022-06-11. Review status: criteria provided, single submitter. Criteria: Ambry Variant Classification Scheme 2023. Collection method: clinical testing. Allele origin: germline.
Comment: The p.V1098L variant (also known as c.3292G>T), located in coding exon 24 of the LRRK2 gene, results from a G to T substitution at nucleotide position 3292. The valine at codon 1098 is replaced by leucine, an amino acid with highly similar properties. This amino acid position is conserved. In addition, this alteration is predicted to be tolerated by in silico analysis. Since supporting evidence is limited at this time, the clinical significance of this alteration remains unclear.